The following is an entry in ClinVar:

NM_002075.4(GNB3):c.149C>T (p.Thr50Met)

Gene: GNB3 (G protein subunit beta 3; plus strand). Cytogenetic location: 12p13.31.
Variant type: single nucleotide variant.
Coding change: c.149C>T on transcript NM_002075.4 (MANE Select); coding-DNA position 149, C replaced by T.
Protein change: p.Thr50Met; replaces threonine 50 with methionine.
Molecular consequence: missense variant.
Genome position (GRCh38, 1-based): chr12:6,843,022, C>T. VCF-style: chr12-6843022-C-T. GRCh37 (hg19) VCF-style: chr12-6952186-C-T.
Other names: c.149C>T, p.Thr50Met (NM_001297571.2); short protein forms T50M.
Identifiers: ClinVar variation 1937606 (VCV001937606.5), dbSNP rs782501836, ClinGen allele CA6417429.
Genomic context (GRCh38, chr12:6,843,022, plus strand): 5'-CTCTGCAGCTGGTGTCTGGCCTAGAGGTGGTGGGACGAGTCCAGATGCGGACGCGGCGGA[C>T]GTTAAGGGGACACCTGGCCAAGATTTACGCCATGCACTGGGCCACTGATTCTAAGTGAGG-3'
Protein context (NP_002066.1, residues 40-60): VGRVQMRTRR[Thr50Met]LRGHLAKIYA

ClinVar aggregate classification (germline): Uncertain significance (1 of 4 stars; one submission).

Allele frequency attached by ClinVar (database versions not stated): gnomAD 0.00001; TOPMed 0.00001; ExAC 0.00002.

Submission:

Labcorp Genetics (formerly Invitae), Labcorp
Classification: Uncertain significance. Last evaluated: 2025-12-31. Review status: criteria provided, single submitter. Criteria: Invitae Variant Classification Sherloc (09022015). Collection method: clinical testing. Allele origin: germline.
Comment: This sequence change replaces threonine, which is neutral and polar, with methionine, which is neutral and non-polar, at codon 50 of the GNB3 protein (p.Thr50Met). This variant is present in population databases (rs782501836, gnomAD 0.02%). This variant has not been reported in the literature in individuals affected with GNB3-related conditions. ClinVar contains an entry for this variant (Variation ID: 1937606). Invitae Evidence Modeling of protein sequence and biophysical properties (such as structural, functional, and spatial information, amino acid conservation, physicochemical variation, residue mobility, and thermodynamic stability) indicates that this missense variant is not expected to disrupt GNB3 protein function with a negative predictive value of 80%. In summary, the available evidence is currently insufficient to determine the role of this variant in disease. Therefore, it has been classified as a Variant of Uncertain Significance.